The following is an entry in ClinVar:

NM_025137.4(SPG11):c.2280C>T (p.Cys760=)

Gene: SPG11 (SPG11 vesicle trafficking associated, spatacsin; minus strand). Cytogenetic location: 15q21.1.
Variant type: single nucleotide variant.
Coding change: c.2280C>T on transcript NM_025137.4 (MANE Select); coding-DNA position 2280, C replaced by T.
Protein change: p.Cys760=; no amino-acid change (cysteine 760 retained).
Molecular consequence: synonymous variant.
Genome position (GRCh38, 1-based): chr15:44,622,764, G>A on the plus strand (C>T on the coding strand, the complement: SPG11 is on the minus strand). VCF-style: chr15-44622764-G-A. GRCh37 (hg19) VCF-style: chr15-44914962-G-A.
Other names: c.2280C>T, p.Cys760= (NM_001160227.2).
Identifiers: ClinVar variation 389784 (VCV000389784.22), dbSNP rs567932275, ClinGen allele CA7535301.

ClinVar aggregate classification (germline): Conflicting classifications of pathogenicity. Review status: criteria provided, conflicting classifications (1 of 4 stars). 6 submissions from 6 submitters: Uncertain significance (3); Likely benign (3). Last evaluated 2025-12-01.

Conditions:
Inborn genetic diseases. Identifiers: MedGen C0950123, MeSH D030342.
Hereditary spastic paraplegia 11. Also called: Nakamura Osame syndrome; Autosomal recessive hereditary spastic paraplegia, mental impairment, and thin corpus callosum; Spastic Paraplegia 11; Spastic paraplegia, mental retardation and thin corpus callosum; SPASTIC PARAPLEGIA, AUTOSOMAL RECESSIVE, COMPLICATED, WITH THIN CORPUS CALLOSUM; SPASTIC PARAPLEGIA, AUTOSOMAL RECESSIVE, WITH MENTAL IMPAIRMENT AND THIN CORPUS CALLOSUM. Identifiers: Orphanet 2822, MedGen C1858479, MONDO:0011445, OMIM 604360.
Hereditary spastic paraplegia. Also called: Familial spastic paraparesis. Identifiers: Orphanet 685, MedGen C0037773, MONDO:0019064. Disease mechanism: loss of function.

Allele frequency attached by ClinVar (database versions not stated): TOPMed 0.00001; gnomAD 0.00002; gnomAD exomes 0.00003; ExAC 0.00005.
gnomAD v4.1: 54 of 1,613,592 alleles (0.0033%); highest among the groups gnomAD compares: Admixed American, 0.0067%; no homozygotes.

Submissions (6):

Labcorp Genetics (formerly Invitae), Labcorp
Classification: Likely benign for Hereditary spastic paraplegia 11. Last evaluated: 2025-12-01. Review status: criteria provided, single submitter. Criteria: Invitae Variant Classification Sherloc (09022015). Collection method: clinical testing. Allele origin: germline.

Blueprint Genetics
Classification: Likely benign. Last evaluated: 2023-05-22. Review status: criteria provided, single submitter. Criteria: ACMG Guidelines, 2015. Collection method: clinical testing. Allele origin: germline.

GeneDx
Classification: Uncertain significance. Last evaluated: 2023-04-03. Review status: criteria provided, single submitter. Criteria: GeneDx Variant Classification Process June 2021. Collection method: clinical testing. Allele origin: germline. Affected: yes.
Comment: Not observed at significant frequency in large population cohorts (gnomAD); Has not been previously published as pathogenic or benign to our knowledge; In silico analysis is inconclusive as to whether the variant alters gene splicing. In the absence of RNA/functional studies, the actual effect of this sequence change is unknown.

Ambry Genetics
Classification: Likely benign for Inborn genetic diseases. Last evaluated: 2019-07-11. Review status: criteria provided, single submitter. Criteria: Ambry Variant Classification Scheme 2023. Collection method: clinical testing. Allele origin: germline.

Eurofins Ntd Llc (ga)
Classification: Uncertain significance. Last evaluated: 2018-03-29. Review status: criteria provided, single submitter. Criteria: EGL ClinVar v180209 classification definitions. Collection method: clinical testing. Allele origin: germline. Observed: 1 variant allele, 1 heterozygote.

Genome Diagnostics Laboratory, The Hospital for Sick Children
Classification: Uncertain significance for Hereditary spastic paraplegia. Last evaluated: 2017-03-10. Review status: criteria provided, single submitter. Criteria: ACMG Guidelines, 2015. Collection method: clinical testing. Allele origin: germline. Affected: yes.